The following is an entry in ClinVar:

NM_004415.4(DSP):c.1511T>C (p.Leu504Pro)

Gene: DSP (desmoplakin; plus strand). Cytogenetic location: 6p24.3.
Variant type: single nucleotide variant.
Coding change: c.1511T>C on transcript NM_004415.4 (MANE Select); coding-DNA position 1511, T replaced by C.
Protein change: p.Leu504Pro; replaces leucine 504 with proline.
Molecular consequence: missense variant.
Genome position (GRCh38, 1-based): chr6:7,569,277, T>C. VCF-style: chr6-7569277-T-C. GRCh37 (hg19) VCF-style: chr6-7569510-T-C.
Other names: c.1511T>C, p.Leu504Pro (NM_001008844.3, NM_001319034.2); short protein forms L504P.
Identifiers: ClinVar variation 3894033 (VCV003894033.1).

ClinVar aggregate classification (germline): Uncertain significance (1 of 4 stars; one submission).

Conditions:
Cardiomyopathy (CMYO). Also called: Cardiomyopathies. Identifiers: Orphanet 167848, MedGen C0878544, MONDO:0004994, HP:0001638. Inheritance: Various modes of inheritance.

Submission:

Color Diagnostics, LLC DBA Color Health
Classification: Uncertain significance for Cardiomyopathy. Last evaluated: 2024-07-26. Review status: criteria provided, single submitter. Criteria: ACMG Guidelines, 2015. Collection method: clinical testing. Allele origin: germline.
Comment: This missense variant replaces leucine with proline at codon 504 of the DSP protein. Computational prediction is inconclusive regarding the impact of this variant on protein structure and function (internally defined REVEL score threshold 0.5 < inconclusive < 0.7, PMID: 27666373). To our knowledge, functional studies have not been reported for this variant. This variant has not been reported in individuals affected with DSP-related disorders in the literature. This variant has not been identified in the general population by the Genome Aggregation Database (gnomAD). The available evidence is insufficient to determine the role of this variant in disease conclusively. Therefore, this variant is classified as a Variant of Uncertain Significance.